The following is an entry in ClinVar:

ClinVar aggregate classification (germline): Uncertain significance (1 of 4 stars; one submission).

Submission:

GeneDx
Classification: Uncertain significance. Last evaluated: 2024-10-27. Review status: criteria provided, single submitter. Criteria: GeneDx Variant Classification Process June 2021. Collection method: clinical testing. Allele origin: germline. Affected: yes.
Comment: Not observed at significant frequency in large population cohorts (gnomAD); In silico analysis supports that this missense variant has a deleterious effect on protein structure/function; Has not been previously published as pathogenic or benign to our knowledge

NM_021098.3(CACNA1H):c.4547C>G (p.Ala1516Gly)

Gene: CACNA1H (calcium voltage-gated channel subunit alpha1 H; plus strand). Cytogenetic location: 16p13.3.
Variant type: single nucleotide variant.
Coding change: c.4547C>G on transcript NM_021098.3 (MANE Select); coding-DNA position 4547, C replaced by G.
Protein change: p.Ala1516Gly; replaces alanine 1516 with glycine.
Molecular consequence: missense variant.
Genome position (GRCh38, 1-based): chr16:1,211,786, C>G. VCF-style: chr16-1211786-C-G. GRCh37 (hg19) VCF-style: chr16-1261786-C-G.
Other names: c.4547C>G, p.Ala1516Gly (NM_001005407.2); short protein forms A1516G.
Identifiers: ClinVar variation 3893584 (VCV003893584.1).